The following is an entry in ClinVar:

NM_005120.3(MED12):c.1339G>T (p.Ala447Ser)

Genes: MED12 (mediator complex subunit 12; plus strand), LOC126863275 (BRD4-independent group 4 enhancer GRCh37_chrX:70342400-70343599; plus strand). Cytogenetic location: Xq13.1.
Variant type: single nucleotide variant.
Coding change: c.1339G>T on transcript NM_005120.3 (MANE Select); coding-DNA position 1339, G replaced by T.
Protein change: p.Ala447Ser; replaces alanine 447 with serine.
Molecular consequence: missense variant.
Genome position (GRCh38, 1-based): chrX:71,122,598, G>T. VCF-style: chrX-71122598-G-T. GRCh37 (hg19) VCF-style: chrX-70342448-G-T.
Other names: short protein forms A447S.
Identifiers: ClinVar variation 1712759 (VCV001712759.2), dbSNP rs2092292328, ClinGen allele CA413506214.
Genomic context (GRCh38, chrX:71,122,598, plus strand): 5'-CAGATCAAGGAGCGGGGACAGGCAGTTGAAGTTCGCTGGTCTTTCGATAAATGCCAGGAA[G>T]CTACTGCAGGTATGTGTCAGAGAACAGATAATAGGAAATATGTTTGAGGAAAGGATGGGG-3'
Protein context (NP_005111.2, residues 437-457): VRWSFDKCQE[Ala447Ser]TAGFTIGRVL

ClinVar aggregate classification (germline): Uncertain significance (1 of 4 stars; one submission).

Submission:

GeneDx
Classification: Uncertain significance. Last evaluated: 2022-04-29. Review status: criteria provided, single submitter. Criteria: GeneDx Variant Classification Process June 2021. Collection method: clinical testing. Allele origin: germline. Affected: yes.
Comment: Not observed at significant frequency in large population cohorts (gnomAD); In silico analysis supports that this missense variant does not alter protein structure/function; Has not been previously published as pathogenic or benign to our knowledge